The following is an entry in ClinVar:

ClinVar aggregate classification (germline): Uncertain significance (1 of 4 stars; one submission).

Submission:

GeneDx
Classification: Uncertain significance. Last evaluated: 2024-03-13. Review status: criteria provided, single submitter. Criteria: GeneDx Variant Classification Process June 2021. Collection method: clinical testing. Allele origin: germline. Affected: yes.
Comment: Not observed at significant frequency in large population cohorts (gnomAD); In silico analysis is inconclusive as to whether the variant alters gene splicing. In the absence of RNA/functional studies, the actual effect of this sequence change is unknown.; Has not been previously published as pathogenic or benign to our knowledge

NM_033109.5(PNPT1):c.223-8_223-3del

Gene: PNPT1 (polyribonucleotide nucleotidyltransferase 1; minus strand). Cytogenetic location: 2p16.1.
Variant type: Deletion.
Coding change: c.223-8_223-3del on transcript NM_033109.5 (MANE Select); 8 bases into the intron before coding-DNA position 223 through 3 bases into the intron before coding-DNA position 223, 6 bases deleted (TGTTTA; older notation c.223-8_223-3delTGTTTA).
Molecular consequence: intron variant.
Genome position (GRCh38, 1-based): chr2:55,686,447-55,686,452, TAAACA deleted on the plus strand (TGTTTA on the coding strand, the reverse complement: PNPT1 is on the minus strand); deleting any 6 consecutive bases within chr2:55,686,447-55,686,456 gives the same sequence; the c. name uses the placement nearest the transcript's 3' end. VCF-style (leftmost placement, unchanged base first): chr2-55686446-TTAAACA-T. GRCh37 (hg19) VCF-style: chr2-55913581-TTAAACA-T.
Identifiers: ClinVar variation 3370735 (VCV003370735.1).
Genomic context (GRCh38, chr2:55,686,446, plus strand): 5'-TGGGAAGGGGAAGGTTTTGTTTTACTGACCGCTGTGACCATTACTGCAGTGTCACCTGAC[TTAAACA>T]TAAAGAACAACGCTGGTAAGTTCCTTTGAAATCAGATATTAGCATCTAAGTAGCAACTGA-3'